The following is an entry in ClinVar:

ClinVar aggregate classification (germline): Uncertain significance. Review status: criteria provided, multiple submitters, no conflicts (2 of 4 stars). 2 submissions from 2 submitters: Uncertain significance (2). Last evaluated 2025-08-28.

Conditions:
Congenital myasthenic syndrome 8. Also called: Myasthenic syndrome, congenital, 8, with pre- and postsynaptic defects; MYASTHENIC SYNDROME, CONGENITAL, DUE TO AGRIN DEFICIENCY. Identifiers: Orphanet 590, MedGen C3808739, MONDO:0014052, OMIM 615120.
Inborn genetic diseases. Identifiers: MedGen C0950123, MeSH D030342.

Allele frequency attached by ClinVar (database versions not stated): gnomAD 0.00002 and 0.00003; ExAC 0.00003; TOPMed 0.00003; gnomAD exomes 0.00004.
gnomAD v4.1: 45 of 1,612,990 alleles (0.0028%); highest among the groups gnomAD compares: South Asian, 0.0099%; no homozygotes.

Submissions (2):

Ambry Genetics
Classification: Uncertain significance for Inborn genetic diseases. Last evaluated: 2025-08-28. Review status: criteria provided, single submitter. Criteria: Ambry Variant Classification Scheme 2023. Collection method: clinical testing. Allele origin: germline.

Labcorp Genetics (formerly Invitae), Labcorp
Classification: Uncertain significance for Congenital myasthenic syndrome 8. Last evaluated: 2023-12-11. Review status: criteria provided, single submitter. Criteria: Invitae Variant Classification Sherloc (09022015). Collection method: clinical testing. Allele origin: germline.
Comment: This sequence change replaces glycine, which is neutral and non-polar, with serine, which is neutral and polar, at codon 1632 of the AGRN protein (p.Gly1632Ser). This variant is present in population databases (rs774044262, gnomAD 0.02%). This variant has not been reported in the literature in individuals affected with AGRN-related conditions. ClinVar contains an entry for this variant (Variation ID: 567692). Algorithms developed to predict the effect of missense changes on protein structure and function output the following: SIFT: "Not Available"; PolyPhen-2: "Benign"; Align-GVGD: "Not Available". The serine amino acid residue is found in multiple mammalian species, which suggests that this missense change does not adversely affect protein function. In summary, the available evidence is currently insufficient to determine the role of this variant in disease. Therefore, it has been classified as a Variant of Uncertain Significance.

NM_198576.4(AGRN):c.4894G>A (p.Gly1632Ser)

Gene: AGRN (agrin; plus strand). Cytogenetic location: 1p36.33.
Variant type: single nucleotide variant.
Coding change: c.4894G>A on transcript NM_198576.4 (MANE Select); coding-DNA position 4894, G replaced by A.
Protein change: p.Gly1632Ser; replaces glycine 1632 with serine.
Molecular consequence: missense variant.
Genome position (GRCh38, 1-based): chr1:1,050,247, G>A. VCF-style: chr1-1050247-G-A. GRCh37 (hg19) VCF-style: chr1-985627-G-A.
Other names: c.4894G>A, p.Gly1632Ser (NM_001305275.2); c.4579G>A, p.Gly1527Ser (NM_001364727.2); short protein forms G1632S, G1527S.
Identifiers: ClinVar variation 567692 (VCV000567692.10), dbSNP rs774044262, ClinGen allele CA509759.